The following is an entry in ClinVar:

NM_000053.4(ATP7B):c.96A>G (p.Ala32=)

Gene: ATP7B (ATPase copper transporting beta; minus strand). Cytogenetic location: 13q14.3.
Variant type: single nucleotide variant.
Coding change: c.96A>G on transcript NM_000053.4 (MANE Select); coding-DNA position 96, A replaced by G.
Protein change: p.Ala32=; no amino-acid change (alanine 32 retained).
Molecular consequence: synonymous variant. On other transcripts: 5 prime UTR variant (7).
Genome position (GRCh38, 1-based): chr13:51,975,124, T>C on the plus strand (A>G on the coding strand, the complement: ATP7B is on the minus strand). VCF-style: chr13-51975124-T-C. GRCh37 (hg19) VCF-style: chr13-52549260-T-C.
Other names: c.96A>G, p.Ala32= (NM_001005918.3, NM_001243182.2, NM_001330578.2 and 30 more transcripts); c.-1A>G (NM_001406517.1, NM_001406518.1, NM_001406530.1 and 4 more transcripts).
Identifiers: ClinVar variation 3005567 (VCV003005567.4), dbSNP rs2547826182, ClinGen allele CA484025477.

ClinVar aggregate classification (germline): Likely benign. Review status: criteria provided, multiple submitters, no conflicts (2 of 4 stars). 2 submissions from 2 submitters: Likely benign (2). Last evaluated 2024-07-21.

Conditions:
Wilson disease (WND). Also called: Wilson's disease. Identifiers: Orphanet 905, MedGen C0019202, MONDO:0010200, OMIM 277900. Disease mechanism: loss of function.

Allele frequency attached by ClinVar (database versions not stated): gnomAD exomes below 0.00001.
gnomAD v4.1: 2 of 1,614,246 alleles (0.00012%); highest among the groups gnomAD compares: Non-Finnish European, 0.00017%; no homozygotes.

Submissions (2):

Labcorp Genetics (formerly Invitae), Labcorp
Classification: Likely benign for Wilson disease. Last evaluated: 2024-07-21. Review status: criteria provided, single submitter. Criteria: Invitae Variant Classification Sherloc (09022015). Collection method: clinical testing. Allele origin: germline.

All of Us Research Program, National Institutes of Health
Classification: Likely benign for Wilson disease. Last evaluated: 2023-12-18. Review status: criteria provided, single submitter. Criteria: ACMG Guidelines, 2015. Collection method: clinical testing. Allele origin: germline. Inheritance: Autosomal recessive inheritance. Observed: 1 variant allele, 1 heterozygote.
Comment: This study involves interpretation of variants in research participants for the purpose of population health screening. Participant phenotype was not available at the time of variant classification. Additional details can be found in publication PMID: 35346344, PMCID: PMC8962531